The following is an entry in ClinVar:

ClinVar aggregate classification (germline): Uncertain significance. Review status: criteria provided, multiple submitters, no conflicts (2 of 4 stars). 2 submissions from 2 submitters: Uncertain significance (2). Last evaluated 2024-05-01.

Conditions:
Werner syndrome (WRN). Identifiers: Orphanet 902, MedGen C0043119, MONDO:0010196, OMIM 277700.

Allele frequency attached by ClinVar (database versions not stated): gnomAD exomes below 0.00001.
gnomAD v4.1: 1 of 1,613,858 alleles (0.000062%); highest among the groups gnomAD compares: Non-Finnish European, 0.000085%; no homozygotes.

Submissions (2):

CeGaT Center for Human Genetics Tuebingen
Classification: Uncertain significance. Last evaluated: 2024-05-01. Review status: criteria provided, single submitter. Criteria: CeGaT Center For Human Genetics Tuebingen Variant Classification Criteria Version 2. Collection method: clinical testing. Allele origin: germline. Affected: yes. Observed: 1 variant allele.
Comment: WRN: PM2, BP4

Labcorp Genetics (formerly Invitae), Labcorp
Classification: Uncertain significance for Werner syndrome. Last evaluated: 2021-03-16. Review status: criteria provided, single submitter. Criteria: Invitae Variant Classification Sherloc (09022015). Collection method: clinical testing. Allele origin: germline.
Comment: In summary, the available evidence is currently insufficient to determine the role of this variant in disease. Therefore, it has been classified as a Variant of Uncertain Significance. Algorithms developed to predict the effect of missense changes on protein structure and function are either unavailable or do not agree on the potential impact of this missense change (SIFT: "Not Available"; PolyPhen-2: "Benign"; Align-GVGD: "Not Available"). This variant has not been reported in the literature in individuals with WRN-related conditions. This variant is not present in population databases (ExAC no frequency). This sequence change replaces threonine with alanine at codon 255 of the WRN protein (p.Thr255Ala). The threonine residue is moderately conserved and there is a small physicochemical difference between threonine and alanine.

NM_000553.6(WRN):c.763A>G (p.Thr255Ala)

Gene: WRN (WRN RecQ like helicase; plus strand). Cytogenetic location: 8p12.
Variant type: single nucleotide variant.
Coding change: c.763A>G on transcript NM_000553.6 (MANE Select); coding-DNA position 763, A replaced by G.
Protein change: p.Thr255Ala; replaces threonine 255 with alanine.
Molecular consequence: missense variant.
Genome position (GRCh38, 1-based): chr8:31,076,211, A>G. VCF-style: chr8-31076211-A-G. GRCh37 (hg19) VCF-style: chr8-30933727-A-G.
Other names: short protein forms T255A.
Identifiers: ClinVar variation 1039594 (VCV001039594.22), dbSNP rs1813087969, ClinGen allele CA370918446.